The following is an entry in ClinVar:

NM_031466.8(TRAPPC9):c.-125_-124insTACCGTGAGGGTCACGGGGG

Gene: TRAPPC9 (trafficking protein particle complex subunit 9; minus strand). Cytogenetic location: 8q24.3.
Variant type: Microsatellite.
Coding change: c.-125_-124insTACCGTGAGGGTCACGGGGG on transcript NM_031466.8; 125 bases upstream of the start codon through 124 bases upstream of the start codon, TACCGTGAGGGTCACGGGGG inserted.
Molecular consequence: 5 prime UTR variant.
Genome position: GRCh38 VCF-style: chr8-140458394-C-CCCCCCGTGACCCTCACGGTA. GRCh37 (hg19) VCF-style: chr8-141468493-C-CCCCCCGTGACCCTCACGGTA.
Identifiers: ClinVar variation 817852 (VCV000817852.4), dbSNP rs1588397346.

ClinVar aggregate classification (germline): Pathogenic (1 of 4 stars; one submission).

Submission:

GeneDx
Classification: Pathogenic. Last evaluated: 2018-10-02. Review status: criteria provided, single submitter. Criteria: GeneDx Variant Classification (06012015). Collection method: clinical testing. Allele origin: germline. Affected: yes.
Comment: The c.170_171ins20 variant in the TRAPPC9 gene has not been reported previously as a pathogenic variant nor as a benign variant, to our knowledge. This variant causes a frameshift starting with codon Tyrosine 58, changes this amino acid to a Threonine residue, and creates a premature Stop codon at position 29 of the new reading frame, denoted p.Tyr58ThrfsX29. This variant is predicted to cause loss of normal protein function either through protein truncation or nonsense-mediated mRNA decay. The c.170_171ins20 variant is not observed in large population cohorts (Lek et al., 2016). We interpret c.170_171ins20 as a pathogenic variant.